The following is an entry in ClinVar:

ClinVar aggregate classification (germline): Likely benign (1 of 4 stars; one submission).

Submission:

CeGaT Center for Human Genetics Tuebingen
Classification: Likely benign. Last evaluated: 2024-11-01. Review status: criteria provided, single submitter. Criteria: CeGaT Center For Human Genetics Tuebingen Variant Classification Criteria Version 2. Collection method: clinical testing. Allele origin: germline. Affected: yes. Observed: 1 variant allele.
Comment: KLHL35: PM2:Supporting, BP4, BP7

NM_001039548.3(KLHL35):c.492C>T (p.Ala164=)

Gene: KLHL35 (kelch like family member 35; minus strand). Cytogenetic location: 11q13.4.
Variant type: single nucleotide variant.
Coding change: c.492C>T on transcript NM_001039548.3 (MANE Select); coding-DNA position 492, C replaced by T.
Protein change: p.Ala164=; no amino-acid change (alanine 164 retained).
Molecular consequence: synonymous variant.
Genome position (GRCh38, 1-based): chr11:75,430,138, G>A on the plus strand (C>T on the coding strand, the complement: KLHL35 is on the minus strand). VCF-style: chr11-75430138-G-A. GRCh37 (hg19) VCF-style: chr11-75141183-G-A.
Identifiers: ClinVar variation 3390091 (VCV003390091.14).